The following is an entry in ClinVar:

NM_000475.5(NR0B1):c.1222C>T (p.Gln408Ter)

Gene: NR0B1 (nuclear receptor subfamily 0 group B member 1; minus strand). Cytogenetic location: Xp21.2.
Variant type: single nucleotide variant.
Coding change: c.1222C>T on transcript NM_000475.5 (MANE Select); coding-DNA position 1222, C replaced by T.
Protein change: p.Gln408Ter; replaces glutamine 408 with a stop codon.
Molecular consequence: nonsense.
Genome position (GRCh38, 1-based): chrX:30,304,770, G>A on the plus strand (C>T on the coding strand, the complement: NR0B1 is on the minus strand). VCF-style: chrX-30304770-G-A. GRCh37 (hg19) VCF-style: chrX-30322887-G-A.
Other names: short protein forms Q408*.
Identifiers: ClinVar variation 3571812 (VCV003571812.1).

ClinVar aggregate classification (germline): Pathogenic (1 of 4 stars; one submission).

Submission:

Athena Diagnostics
Classification: Pathogenic. Last evaluated: 2023-10-31. Review status: criteria provided, single submitter. Criteria: Athena Diagnostics Criteria. Collection method: clinical testing. Allele origin: unknown.
Comment: This variant is expected to result in the loss of a functional protein. This variant has been identified in at least one individual with congenital adrenal hypoplasia. This variant has not been reported in large, multi-ethnic general populations. Assessment of experimental evidence suggests this variant results in abnormal protein function. (PMID 35592512)

Literature cited by the submitters: PubMed 35592512; PubMed 37298283.